The following is an entry in ClinVar:

ClinVar aggregate classification (germline): Likely pathogenic (1 of 4 stars; one submission).

Conditions:
Hereditary cancer-predisposing syndrome. Also called: Hereditary neoplastic syndrome; Neoplastic Syndromes, Hereditary; Tumor predisposition; Hereditary Cancer Syndrome. Identifiers: Orphanet 140162, MedGen C0027672, MeSH D009386, MONDO:0015356.

Submission:

Labcorp Genetics (formerly Invitae), Labcorp
Classification: Likely pathogenic for Hereditary cancer-predisposing syndrome. Last evaluated: 2021-10-09. Review status: criteria provided, single submitter. Criteria: Invitae Variant Classification Sherloc (09022015). Collection method: clinical testing. Allele origin: unknown.
Comment: In summary, the currently available evidence indicates that the variant is pathogenic, but additional data are needed to prove that conclusively. Therefore, this variant has been classified as Likely Pathogenic. ClinVar contains an entry for this variant (Variation ID: 859011). This variant has not been reported in the literature in individuals affected with RAD50-related conditions. This variant results in the deletion of part of exon 13 (c.2154_2207+3330del) of the RAD50 gene. It is expected to disrupt RNA splicing. Variants that disrupt the donor or acceptor splice site typically lead to a loss of protein function (PMID: 16199547), and loss-of-function variants in RAD50 are known to be pathogenic (PMID: 19409520).

Literature cited by the submitters: PubMed 16199547; PubMed 19409520.

NC_000005.9:g.(?_131931449)_(131934832_?)del

Gene: RAD50 (RAD50 double strand break repair protein; plus strand). Cytogenetic location: 5q31.1.
Variant type: Deletion.
Identifiers: ClinVar variation 3246286 (VCV003246286.1).